The following is an entry in ClinVar:

ClinVar aggregate classification (germline): Uncertain significance. Review status: criteria provided, multiple submitters, no conflicts (2 of 4 stars). 2 submissions from 2 submitters: Uncertain significance (2). Last evaluated 2025-12-03.

Conditions:
Inborn genetic diseases. Identifiers: MedGen C0950123, MeSH D030342.
Congenital muscular hypertrophy-cerebral syndrome (CDLS2). Also called: SMC1A-Related Cornelia de Lange Syndrome; Cornelia de Lange syndrome 2. Identifiers: Orphanet 199, MedGen C1802395, MONDO:0010370, OMIM 300590.

Submissions (2):

Ambry Genetics
Classification: Uncertain significance for Inborn genetic diseases. Last evaluated: 2025-12-03. Review status: criteria provided, single submitter. Criteria: Ambry Variant Classification Scheme 2023. Collection method: clinical testing. Allele origin: germline.
Comment: The c.2789T>C (p.L930P) alteration is located in exon 18 (coding exon 18) of the SMC1A gene. This alteration results from a T to C substitution at nucleotide position 2789, causing the leucine (L) at amino acid position 930 to be replaced by a proline (P). This variant was not reported in population-based cohorts in the Genome Aggregation Database (gnomAD). This amino acid position is highly conserved in available vertebrate species. This missense alteration is located in a region that has a low rate of benign missense variation (Lek, 2016; Firth, 2009). This alteration is predicted to be deleterious by in silico analysis. Based on insufficient or conflicting evidence, the clinical significance of this alteration remains unclear.

Labcorp Genetics (formerly Invitae), Labcorp
Classification: Uncertain significance for Congenital muscular hypertrophy-cerebral syndrome. Last evaluated: 2022-12-06. Review status: criteria provided, single submitter. Criteria: Invitae Variant Classification Sherloc (09022015). Collection method: clinical testing. Allele origin: germline.
Comment: In summary, the available evidence is currently insufficient to determine the role of this variant in disease. Therefore, it has been classified as a Variant of Uncertain Significance. Advanced modeling of protein sequence and biophysical properties (such as structural, functional, and spatial information, amino acid conservation, physicochemical variation, residue mobility, and thermodynamic stability) performed at Invitae indicates that this missense variant is expected to disrupt SMC1A protein function. ClinVar contains an entry for this variant (Variation ID: 1056918). This variant has not been reported in the literature in individuals affected with SMC1A-related conditions. This variant is not present in population databases (gnomAD no frequency). This sequence change replaces leucine, which is neutral and non-polar, with proline, which is neutral and non-polar, at codon 930 of the SMC1A protein (p.Leu930Pro).

NM_006306.4(SMC1A):c.2789T>C (p.Leu930Pro)

Gene: SMC1A (structural maintenance of chromosomes 1A; minus strand). Cytogenetic location: Xp11.22.
Variant type: single nucleotide variant.
Coding change: c.2789T>C on transcript NM_006306.4 (MANE Select); coding-DNA position 2789, T replaced by C.
Protein change: p.Leu930Pro; replaces leucine 930 with proline.
Molecular consequence: missense variant.
Genome position (GRCh38, 1-based): chrX:53,396,300, A>G on the plus strand (T>C on the coding strand, the complement: SMC1A is on the minus strand). VCF-style: chrX-53396300-A-G. GRCh37 (hg19) VCF-style: chrX-53423220-A-G.
Other names: c.2723T>C, p.Leu908Pro (NM_001281463.1); c.2789T>C (NM_006306.2); short protein forms L908P, L930P.
Identifiers: ClinVar variation 1056918 (VCV001056918.11), dbSNP rs2146593453, ClinGen allele CA413248055.